The following is an entry in ClinVar:

NM_181507.2(HPS5):c.130C>T (p.Arg44Trp)

Gene: HPS5 (HPS5 biogenesis of lysosomal organelles complex 2 subunit 2; minus strand). Cytogenetic location: 11p15.1.
Variant type: single nucleotide variant.
Coding change: c.130C>T on transcript NM_181507.2 (MANE Select); coding-DNA position 130, C replaced by T.
Protein change: p.Arg44Trp; replaces arginine 44 with tryptophan.
Molecular consequence: missense variant. On other transcripts: 5 prime UTR variant (1).
Genome position (GRCh38, 1-based): chr11:18,312,003, G>A on the plus strand (C>T on the coding strand, the complement: HPS5 is on the minus strand). VCF-style: chr11-18312003-G-A. GRCh37 (hg19) VCF-style: chr11-18333550-G-A.
Other names: c.-213C>T (NM_007216.4, NM_181508.2); short protein forms R44W.
Identifiers: ClinVar variation 1446169 (VCV001446169.5), dbSNP rs765064234, ClinGen allele CA5910561.

ClinVar aggregate classification (germline): Uncertain significance (1 of 4 stars; one submission).

Allele frequency attached by ClinVar (database versions not stated): TOPMed below 0.00001; gnomAD 0.00001; ExAC 0.00002; gnomAD exomes 0.00002 and 0.00003.
gnomAD v4.1: 25 of 1,613,572 alleles (0.0015%); highest among the groups gnomAD compares: Middle Eastern, 0.016%; no homozygotes.

Submission:

Labcorp Genetics (formerly Invitae), Labcorp
Classification: Uncertain significance. Last evaluated: 2022-06-05. Review status: criteria provided, single submitter. Criteria: Invitae Variant Classification Sherloc (09022015). Collection method: clinical testing. Allele origin: germline.
Comment: This sequence change replaces arginine, which is basic and polar, with tryptophan, which is neutral and slightly polar, at codon 44 of the HPS5 protein (p.Arg44Trp). This variant is present in population databases (rs765064234, gnomAD 0.02%). This variant has not been reported in the literature in individuals affected with HPS5-related conditions. ClinVar contains an entry for this variant (Variation ID: 1446169). Algorithms developed to predict the effect of missense changes on protein structure and function are either unavailable or do not agree on the potential impact of this missense change (SIFT: "Deleterious"; PolyPhen-2: "Probably Damaging"; Align-GVGD: "Class C0"). In summary, the available evidence is currently insufficient to determine the role of this variant in disease. Therefore, it has been classified as a Variant of Uncertain Significance.